The following is an entry in ClinVar:

ClinVar aggregate classification (germline): Uncertain significance (1 of 4 stars; one submission).

Conditions:
Developmental and epileptic encephalopathy, 65. Also called: EPILEPTIC ENCEPHALOPATHY, EARLY INFANTILE, 65. Identifiers: MedGen C4693925, MONDO:0033374, OMIM 618008.

Submission:

3billion
Classification: Uncertain significance for Developmental and epileptic encephalopathy, 65. Last evaluated: 2025-11-03. Review status: criteria provided, single submitter. Criteria: ACMG Guidelines, 2015. Collection method: clinical testing. Allele origin: germline. Affected: yes.
Comment: The variant is not observed in the gnomAD v4.1.0 dataset. Predicted Consequence/Location: Missense variant. Missense changes are a common disease-causing mechanism. In silico tool prediction suggests damaging effect of the variant on gene or gene product [3Cnet: 0.95 (> 0.75, sensitivity 0.96 and precision 0.92)]. Therefore, this variant is classified as VUS according to the recommendation of ACMG/AMP guideline.

NM_001037333.3(CYFIP2):c.1519A>T (p.Ile507Phe)

Gene: CYFIP2 (cytoplasmic FMR1 interacting protein 2; plus strand). Cytogenetic location: 5q33.3.
Variant type: single nucleotide variant.
Coding change: c.1519A>T on transcript NM_001037333.3 (MANE Select); coding-DNA position 1519, A replaced by T.
Protein change: p.Ile507Phe; replaces isoleucine 507 with phenylalanine.
Molecular consequence: missense variant.
Genome position (GRCh38, 1-based): chr5:157,319,924, A>T. VCF-style: chr5-157319924-A-T. GRCh37 (hg19) VCF-style: chr5-156746932-A-T.
Other names: c.1441A>T, p.Ile481Phe (NM_001291721.2); c.1519A>T, p.Ile507Phe (NM_001291722.2, NM_014376.4); short protein forms I481F, I507F.
Identifiers: ClinVar variation 4854183 (VCV004854183.1).